The following is an entry in ClinVar:

ClinVar aggregate classification (germline): Uncertain significance. Review status: criteria provided, multiple submitters, no conflicts (2 of 4 stars). 3 submissions from 3 submitters: Uncertain significance (3). Last evaluated 2025-05-13.

Conditions:
Inborn genetic diseases. Identifiers: MedGen C0950123, MeSH D030342.

Allele frequency attached by ClinVar (database versions not stated): TOPMed 0.00001.
gnomAD v4.1: 17 of 1,613,710 alleles (0.0011%); highest among the groups gnomAD compares: African/African-American, 0.0027%; no homozygotes.

Submissions (3):

Ambry Genetics
Classification: Uncertain significance for Inborn genetic diseases. Last evaluated: 2025-05-13. Review status: criteria provided, single submitter. Criteria: Ambry Variant Classification Scheme 2023. Collection method: clinical testing. Allele origin: germline.

GeneDx
Classification: Uncertain significance. Last evaluated: 2024-11-06. Review status: criteria provided, single submitter. Criteria: GeneDx Variant Classification Process June 2021. Collection method: clinical testing. Allele origin: germline. Affected: yes.
Comment: Not observed at significant frequency in large population cohorts (gnomAD); In silico analysis indicates that this missense variant does not alter protein structure/function; Has not been previously published as pathogenic or benign to our knowledge

Labcorp Genetics (formerly Invitae), Labcorp
Classification: Uncertain significance. Last evaluated: 2023-08-10. Review status: criteria provided, single submitter. Criteria: Invitae Variant Classification Sherloc (09022015). Collection method: clinical testing. Allele origin: germline.
Comment: In summary, the available evidence is currently insufficient to determine the role of this variant in disease. Therefore, it has been classified as a Variant of Uncertain Significance. Experimental studies and prediction algorithms are not available or were not evaluated, and the functional significance of this variant is currently unknown. ClinVar contains an entry for this variant (Variation ID: 1498750). This variant has not been reported in the literature in individuals affected with RIN2-related conditions. This variant is present in population databases (no rsID available, gnomAD 0.0009%). This sequence change replaces asparagine, which is neutral and polar, with threonine, which is neutral and polar, at codon 297 of the RIN2 protein (p.Asn297Thr).

NM_018993.4(RIN2):c.890A>C (p.Asn297Thr)

Gene: RIN2 (Ras and Rab interactor 2; plus strand). Cytogenetic location: 20p11.23.
Variant type: single nucleotide variant.
Coding change: c.890A>C on transcript NM_018993.4 (MANE Select); coding-DNA position 890, A replaced by C.
Protein change: p.Asn297Thr; replaces asparagine 297 with threonine.
Molecular consequence: missense variant.
Genome position (GRCh38, 1-based): chr20:19,974,915, A>C. VCF-style: chr20-19974915-A-C. GRCh37 (hg19) VCF-style: chr20-19955559-A-C.
Other names: c.1037A>C, p.Asn346Thr (NM_001242581.2); c.272A>C, p.Asn91Thr (NM_001378238.1); c.890A>C (NM_018993.3); short protein forms N346T, N297T, N91T.
Identifiers: ClinVar variation 1498750 (VCV001498750.6), dbSNP rs1318830522, ClinGen allele CA408361185.
Genomic context (GRCh38, chr20:19,974,915, plus strand): 5'-TGAAAGTGCACAGCCAGGACCTCAGTGGAGGCCTGAAACGGCCGAGCACAAGGACTCCCA[A>C]CGCGAATGGCACGGAGCGGACTCGGTCCCCCCCACCCAGGCCCCCGCCACCCGCTATTAA-3'
Protein context (NP_061866.1, residues 287-307): GLKRPSTRTP[Asn297Thr]ANGTERTRSP